The following is an entry in ClinVar:

NM_004044.7(ATIC):c.435G>A (p.Val145=)

Gene: ATIC (5-aminoimidazole-4-carboxamide ribonucleotide formyltransferase/IMP cyclohydrolase; plus strand). Cytogenetic location: 2q35.
Variant type: single nucleotide variant.
Coding change: c.435G>A on transcript NM_004044.7 (MANE Select); coding-DNA position 435, G replaced by A.
Protein change: p.Val145=; no amino-acid change (valine 145 retained).
Molecular consequence: synonymous variant.
Genome position (GRCh38, 1-based): chr2:215,326,042, G>A. VCF-style: chr2-215326042-G-A. GRCh37 (hg19) VCF-style: chr2-216190765-G-A.
Identifiers: ClinVar variation 729605 (VCV000729605.6), dbSNP rs149803312, ClinGen allele CA2092961.

ClinVar aggregate classification (germline): Likely benign. Review status: criteria provided, single submitter (1 of 4 stars). 2 submissions from 2 submitters: Likely benign (1). 1 of the submissions does not count toward it. Last evaluated 2025-08-12.

Conditions:
ATIC-related disorder. Also called: ATIC-related condition.

Allele frequency attached by ClinVar (database versions not stated): ExAC 0.00012; gnomAD exomes 0.00015; ESP Exome Variant Server 0.00023; 1000 Genomes Project 30x 0.00031; gnomAD 0.00033 and 0.00037; TOPMed 0.00035; 1000 Genomes Project 0.00040.
gnomAD v4.1: 123 of 1,614,214 alleles (0.0076%); highest among the groups gnomAD compares: African/African-American, 0.13%; no homozygotes.

Submissions (2):

Labcorp Genetics (formerly Invitae), Labcorp
Classification: Likely benign. Last evaluated: 2025-08-12. Review status: criteria provided, single submitter. Criteria: Invitae Variant Classification Sherloc (09022015). Collection method: clinical testing. Allele origin: germline.

PreventionGenetics, part of Exact Sciences
Classification: Likely benign for ATIC-related condition. Last evaluated: 2019-03-28. Review status: no assertion criteria provided. Collection method: clinical testing. Allele origin: germline. Not counted in ClinVar's aggregate classification.
Comment: This variant is classified as likely benign based on ACMG/AMP sequence variant interpretation guidelines (Richards et al. 2015 PMID: 25741868, with internal and published modifications).